The following is an entry in ClinVar:

ClinVar aggregate classification (germline): Likely benign (1 of 4 stars; one submission).

Allele frequency attached by ClinVar (database versions not stated): ESP Exome Variant Server 0.00297; 1000 Genomes Project 0.00339; 1000 Genomes Project 30x 0.00344; gnomAD 0.00449; TOPMed 0.00484; gnomAD exomes 0.00531; ExAC 0.00644.

Submission:

CeGaT Center for Human Genetics Tuebingen
Classification: Likely benign. Last evaluated: 2023-07-01. Review status: criteria provided, single submitter. Criteria: CeGaT Center For Human Genetics Tuebingen Variant Classification Criteria Version 2. Collection method: clinical testing. Allele origin: germline. Affected: yes. Observed: 1 variant allele.
Comment: NXNL1: BS2

NM_138454.2(NXNL1):c.533C>T (p.Thr178Ile)

Gene: NXNL1 (nucleoredoxin like 1; minus strand). Cytogenetic location: 19p13.11.
Variant type: single nucleotide variant.
Coding change: c.533C>T on transcript NM_138454.2 (MANE Select); coding-DNA position 533, C replaced by T.
Protein change: p.Thr178Ile; replaces threonine 178 with isoleucine.
Molecular consequence: missense variant.
Genome position (GRCh38, 1-based): chr19:17,455,753, G>A on the plus strand (C>T on the coding strand, the complement: NXNL1 is on the minus strand). VCF-style: chr19-17455753-G-A. GRCh37 (hg19) VCF-style: chr19-17566562-G-A.
Other names: short protein forms T178I.
Identifiers: ClinVar variation 2649540 (VCV002649540.24), dbSNP rs56084515, ClinGen allele CA9294871.